The following is an entry in ClinVar:

NM_016239.4(MYO15A):c.9369C>A (p.Asp3123Glu)

Gene: MYO15A (myosin XVA; plus strand). Cytogenetic location: 17p11.2.
Variant type: single nucleotide variant.
Coding change: c.9369C>A on transcript NM_016239.4 (MANE Select); coding-DNA position 9369, C replaced by A.
Protein change: p.Asp3123Glu; replaces aspartic acid 3123 with glutamic acid.
Molecular consequence: missense variant.
Genome position (GRCh38, 1-based): chr17:18,160,000, C>A. VCF-style: chr17-18160000-C-A. GRCh37 (hg19) VCF-style: chr17-18063314-C-A.
Other names: short protein forms D3123E.
Identifiers: ClinVar variation 1802205 (VCV001802205.7), dbSNP rs150889871, ClinGen allele CA8425511.
Genomic context (GRCh38, chr17:18,160,000, plus strand): 5'-CGGGGACCATGAGGTCATGCGGGATGAATGTTACTGCCAAGTTGTGAAGCAGATCACAGA[C>A]AATACCAGCTCCAAGCAGTGAGTGAACTGGACTTTACCCCACCATCCCCTCACTGTGTCC-3'
Protein context (NP_057323.3, residues 3113-3133): CYCQVVKQIT[Asp3123Glu]NTSSKQDSCQ

ClinVar aggregate classification (germline): Conflicting classifications of pathogenicity. Review status: criteria provided, conflicting classifications (1 of 4 stars). 3 submissions from 3 submitters: Uncertain significance (2); Benign (1). Last evaluated 2024-10-04.

Conditions:
Autosomal recessive nonsyndromic hearing loss 3. Also called: NEUROSENSORY NONSYNDROMIC RECESSIVE DEAFNESS 3. Identifiers: Orphanet 90636, MedGen C1838263, MONDO:0010860, OMIM 600316.

Allele frequency attached by ClinVar (database versions not stated): 1000 Genomes Project 30x 0.00016.
gnomAD v4.1: 132 of 1,612,712 alleles (0.0082%); highest among the groups gnomAD compares: South Asian, 0.13%; no homozygotes.

Submissions (3):

Blueprint Genetics
Classification: Uncertain significance. Last evaluated: 2024-10-04. Review status: criteria provided, single submitter. Criteria: ACMG Guidelines, 2015. Collection method: clinical testing. Allele origin: germline.

Labcorp Genetics (formerly Invitae), Labcorp
Classification: Benign. Last evaluated: 2024-03-16. Review status: criteria provided, single submitter. Criteria: Invitae Variant Classification Sherloc (09022015). Collection method: clinical testing. Allele origin: germline.

Diagnostics Services (NGS), CSIR - Centre For Cellular And Molecular Biology
Classification: Uncertain significance for Autosomal recessive nonsyndromic hearing loss 3. Last evaluated: 2022-07-01. Review status: criteria provided, single submitter. Criteria: ACMG Guidelines, 2015. Collection method: clinical testing. Allele origin: unknown. Affected: yes. Observed: 1 variant allele, 1 heterozygote.
Comment: The c.9369C>A variant is not present in 1000 Genomes and EVS. The heterozygous state of the variant is present in gnomAD and Indian Exome Database, at a low frequency. The variant is not present in our in-house exome database. The variant was not reported to ClinVar, HGMD and/or OMIM databases, in any affected individuals. Predictions from different in-silico pathogenicity prediction programs like SIFT, PolyPhen-2, MutationTaster2, CADD, Varsome etc. are contradictory.

Literature cited by the submitters: PubMed 26075876 (cited by Diagnostics Services (NGS), CSIR - Centre For Cellular And Molecular Biology).